The following is an entry in ClinVar:

NM_007294.4(BRCA1):c.2814del (p.Val939fs)

Gene: BRCA1 (BRCA1 DNA repair associated; minus strand). Cytogenetic location: 17q21.31.
Variant type: Deletion.
Coding change: c.2814del on transcript NM_007294.4 (MANE Select); coding-DNA position 2814, one base deleted (A; older notation c.2814delA).
Protein change: p.Val939fs; shifts the reading frame from valine 939.
Molecular consequence: frameshift variant. On other transcripts: intron variant (137).
Genome position (GRCh38, 1-based): chr17:43,092,717, T deleted on the plus strand (A on the coding strand, the reverse complement: BRCA1 is on the minus strand). VCF-style (leftmost placement, unchanged base first): chr17-43092716-CT-C. GRCh37 (hg19) VCF-style: chr17-41244733-CT-C.
Other names: 2933delA-ter998; c.2601del, p.Val868fs (NM_001407571.1, NM_001407853.1, NM_001407894.1 and 9 more transcripts); c.2814del, p.Val939fs (NM_001407581.1, NM_001407582.1, NM_001407583.1 and 30 more transcripts); c.2811del, p.Val938fs (NM_001407587.1, NM_001407590.1, NM_001407591.1 and 22 more transcripts); c.2805del, p.Val936fs (NM_001407646.1, NM_001407647.1); c.2691del, p.Val898fs (NM_001407648.1, NM_001407664.1, NM_001407665.1 and 19 more transcripts); c.2688del, p.Val897fs (NM_001407649.1, NM_001407670.1, NM_001407671.1 and 11 more transcripts); c.2736del, p.Val913fs (NM_001407653.1, NM_001407654.1, NM_001407655.1 and 4 more transcripts); and 43 more; short protein forms V892fs, V939fs, V812fs, V828fs, V851fs, V898fs, V936fs, V643fs.
Identifiers: ClinVar variation 266305 (VCV000266305.11), dbSNP rs886040074, ClinGen allele CA10589811.
Genomic context (GRCh38, chr17:43,092,716, plus strand): 5'-TGAACTGAGATGATAGACAAAACCTAGAGCCTCCTTTGATACTACATTTGGCATTATCAA[CT>C]GGCTTATCTTTCTGACCAACCACAGGAAAGCCTGCAGTGATATTAACTGTCTGTACAGGC-3'

ClinVar aggregate classification (germline): Pathogenic. Review status: reviewed by expert panel (3 of 4 stars). 3 submissions from 3 submitters: Pathogenic (1). 2 of the submissions do not count toward it. Last evaluated 2016-10-18.

Conditions:
Hereditary cancer-predisposing syndrome. Also called: Hereditary Cancer Syndrome; Neoplastic Syndromes, Hereditary; Hereditary neoplastic syndrome; Tumor predisposition. Identifiers: Orphanet 140162, MedGen C0027672, MeSH D009386, MONDO:0015356.
Breast-ovarian cancer, familial, susceptibility to, 1 (BROVCA1). Also called: BRCA1 Hereditary Breast and Ovarian Cancer; OVARIAN CANCER, SUSCEPTIBILITY TO. Identifiers: Orphanet 145, MedGen C2676676, MONDO:0011450, OMIM 604370. Disease mechanism: loss of function.

Submissions (3):

Evidence-based Network for the Interpretation of Germline Mutant Alleles (ENIGMA)
Classification: Pathogenic for Breast-ovarian cancer, familial, susceptibility to, 1. Last evaluated: 2016-10-18. Review status: reviewed by expert panel. Criteria: ENIGMA BRCA1/2 Classification Criteria (2015). Collection method: curation. Allele origin: germline.
Comment: Variant allele predicted to encode a truncated non-functional protein.

Ambry Genetics
Classification: Pathogenic for Hereditary cancer-predisposing syndrome. Last evaluated: 2018-02-21. Review status: criteria provided, single submitter. Criteria: Ambry Variant Classification Scheme 2023. Collection method: clinical testing. Allele origin: germline. Not counted in ClinVar's aggregate classification.
Comment: The c.2814delA pathogenic mutation, located in coding exon 9 of the BRCA1 gene, results from a deletion of one nucleotide at nucleotide position 2814, causing a translational frameshift with a predicted alternate stop codon (p.V939Lfs*61). This alteration is expected to result in loss of function by premature protein truncation or nonsense-mediated mRNA decay. As such, this alteration is interpreted as a disease-causing mutation.

Consortium of Investigators of Modifiers of BRCA1/2 (CIMBA), c/o University of Cambridge
Classification: Pathogenic for Breast-ovarian cancer, familial, susceptibility to, 1. Last evaluated: 2015-10-02. Review status: criteria provided, single submitter. Criteria: CIMBA Mutation Classification guidelines May 2016. Collection method: clinical testing. Allele origin: germline. Not counted in ClinVar's aggregate classification.